The following is an entry in ClinVar:

NM_001025603.2(RFX5):c.1222C>T (p.Gln408Ter)

Gene: RFX5 (regulatory factor X5; minus strand). Cytogenetic location: 1q21.3.
Variant type: single nucleotide variant.
Coding change: c.1222C>T on transcript NM_001025603.2 (MANE Select); coding-DNA position 1222, C replaced by T.
Protein change: p.Gln408Ter; replaces glutamine 408 with a stop codon.
Molecular consequence: nonsense.
Genome position (GRCh38, 1-based): chr1:151,342,815, G>A on the plus strand (C>T on the coding strand, the complement: RFX5 is on the minus strand). VCF-style: chr1-151342815-G-A. GRCh37 (hg19) VCF-style: chr1-151315291-G-A.
Other names: c.1222C>T, p.Gln408Ter (NM_000449.4, NM_001379412.1, NM_001379413.1 and 5 more transcripts); c.1102C>T, p.Gln368Ter (NM_001379419.1, NM_001379420.1); short protein forms Q368*, Q408*.
Identifiers: ClinVar variation 3660753 (VCV003660753.2).
Genomic context (GRCh38, chr1:151,342,815, plus strand): 5'-TGTCATGTGGTCCTTGGTCACCACCTATGCCTACCTCTCTGTTCTCTGTGCCCCGGGGCT[G>A]AGTGAGTCCCCCAGGTGGAGCTCGCCCAGGCCCAGGTCCAGGTCCAGGCAAAGCAGGAAC-3'

ClinVar aggregate classification (germline): Pathogenic (1 of 4 stars; one submission).

Conditions:
MHC class II deficiency. Also called: Bare lymphocyte syndrome 2; BLS, TYPE II. Identifiers: Orphanet 572, MedGen C5447452, MONDO:0008855.

Submission:

Labcorp Genetics (formerly Invitae), Labcorp
Classification: Pathogenic for MHC class II deficiency. Last evaluated: 2024-07-29. Review status: criteria provided, single submitter. Criteria: Invitae Variant Classification Sherloc (09022015). Collection method: clinical testing. Allele origin: germline.
Comment: This sequence change creates a premature translational stop signal (p.Gln408*) in the RFX5 gene. While this is not anticipated to result in nonsense mediated decay, it is expected to disrupt the last 209 amino acid(s) of the RFX5 protein. This variant is not present in population databases (gnomAD no frequency). This variant has not been reported in the literature in individuals affected with RFX5-related conditions. This variant disrupts a region of the RFX5 protein in which other variant(s) (p.Ser571Glnfs*22) have been determined to be pathogenic (Invitae). This suggests that this is a clinically significant region of the protein, and that variants that disrupt it are likely to be disease-causing. For these reasons, this variant has been classified as Pathogenic.